The following is an entry in ClinVar:

ClinVar aggregate classification (germline): Uncertain significance. Review status: criteria provided, multiple submitters, no conflicts (2 of 4 stars). 6 submissions from 6 submitters: Uncertain significance (4). 2 of the submissions do not count toward it. Last evaluated 2026-09-01.

Conditions:
Aortic aneurysm, familial thoracic 8 (AAT8). Identifiers: MedGen C3809513, MONDO:0014187, OMIM 615436.
Familial thoracic aortic aneurysm and aortic dissection (TAAD). Also called: Thoracic aortic aneurysms and dissections. Identifiers: Orphanet 91387, MedGen C4707243, MONDO:0019625.

Allele frequency attached by ClinVar (database versions not stated): TOPMed 0.00001; ExAC 0.00002; gnomAD exomes 0.00002 and 0.00004; gnomAD 0.00003 and 0.00004.
gnomAD v4.1: 61 of 1,613,252 alleles (0.0038%); highest among the groups gnomAD compares: Middle Eastern, 0.016%; no homozygotes.

Submissions (6):

GeneDx
Classification: Uncertain significance. Last evaluated: 2026-09-01. Review status: criteria provided, single submitter. Criteria: GeneDx Variant Classification Process June 2021. Collection method: clinical testing. Allele origin: germline.
Comment: Has not been previously published as pathogenic or benign to our knowledge; Not observed at significant frequency in large population cohorts (gnomAD); In silico analysis supports that this missense variant has a deleterious effect on protein structure/function

Labcorp Genetics (formerly Invitae), Labcorp
Classification: Uncertain significance for Aortic aneurysm, familial thoracic 8. Last evaluated: 2025-04-20. Review status: criteria provided, single submitter. Criteria: Invitae Variant Classification Sherloc (09022015). Collection method: clinical testing. Allele origin: germline.
Comment: This sequence change replaces asparagine, which is neutral and polar, with serine, which is neutral and polar, at codon 663 of the PRKG1 protein (p.Asn663Ser). The frequency data for this variant in the population databases is considered unreliable, as metrics indicate poor data quality at this position in the gnomAD database. This variant has not been reported in the literature in individuals affected with PRKG1-related conditions. ClinVar contains an entry for this variant (Variation ID: 451599). An algorithm developed to predict the effect of missense changes on protein structure and function (PolyPhen-2) suggests that this variant is likely to be disruptive. In summary, the available evidence is currently insufficient to determine the role of this variant in disease. Therefore, it has been classified as a Variant of Uncertain Significance.

Ambry Genetics
Classification: Uncertain significance for Familial thoracic aortic aneurysm and aortic dissection. Last evaluated: 2021-09-26. Review status: criteria provided, single submitter. Criteria: Ambry Variant Classification Scheme 2023. Collection method: clinical testing. Allele origin: germline.
Comment: The p.N663S variant (also known as c.1988A>G), located in coding exon 18 of the PRKG1 gene, results from an A to G substitution at nucleotide position 1988. The asparagine at codon 663 is replaced by serine, an amino acid with highly similar properties. This amino acid position is conserved. In addition, this alteration is predicted to be tolerated by in silico analysis. Since supporting evidence is limited at this time, the clinical significance of this alteration remains unclear.

Blueprint Genetics
Classification: Uncertain significance. Last evaluated: 2021-02-16. Review status: criteria provided, single submitter. Criteria: ACMG Guidelines, 2015. Collection method: clinical testing. Allele origin: germline.

Clinical Genetics DNA and cytogenetics Diagnostics Lab, Erasmus MC, Erasmus Medical Center
Classification: Uncertain significance. Review status: no assertion criteria provided. Collection method: clinical testing. Allele origin: germline. Affected: yes. Study: VKGL Data-share Consensus. Not counted in ClinVar's aggregate classification.

Diagnostic Laboratory, Department of Genetics, University Medical Center Groningen
Classification: Uncertain significance. Review status: no assertion criteria provided. Collection method: clinical testing. Allele origin: germline. Affected: yes. Study: VKGL Data-share Consensus. Not counted in ClinVar's aggregate classification.

NM_006258.4(PRKG1):c.1988A>G (p.Asn663Ser)

Gene: PRKG1 (protein kinase cGMP-dependent 1; plus strand). Cytogenetic location: 10q21.1.
Variant type: single nucleotide variant.
Coding change: c.1988A>G on transcript NM_006258.4 (MANE Select); coding-DNA position 1988, A replaced by G.
Protein change: p.Asn663Ser; replaces asparagine 663 with serine.
Molecular consequence: missense variant.
Genome position (GRCh38, 1-based): chr10:52,293,827, A>G. VCF-style: chr10-52293827-A-G. GRCh37 (hg19) VCF-style: chr10-54053587-A-G.
Other names: c.1943A>G, p.Asn648Ser (LRG_1135t2, NM_001098512.3); c.1988A>G, p.Asn663Ser (LRG_1135t1); short protein forms N648S, N663S.
Identifiers: ClinVar variation 451599 (VCV000451599.13), dbSNP rs766915028, ClinGen allele CA5504008.